The following is an entry in ClinVar:

NM_145290.4(ADGRA3):c.3322A>G (p.Asn1108Asp)

Gene: ADGRA3 (adhesion G protein-coupled receptor A3; minus strand). Cytogenetic location: 4p15.2.
Variant type: single nucleotide variant.
Coding change: c.3322A>G on transcript NM_145290.4 (MANE Select); coding-DNA position 3322, A replaced by G.
Protein change: p.Asn1108Asp; replaces asparagine 1108 with aspartic acid.
Molecular consequence: missense variant.
Genome position (GRCh38, 1-based): chr4:22,388,349, T>C on the plus strand (A>G on the coding strand, the complement: ADGRA3 is on the minus strand). VCF-style: chr4-22388349-T-C. GRCh37 (hg19) VCF-style: chr4-22389972-T-C.
Other names: c.3322A>G (NM_145290.2); short protein forms N1108D.
Identifiers: ClinVar variation 857960 (VCV000857960.10), dbSNP rs750684538, ClinGen allele CA2873395.

ClinVar aggregate classification (germline): Uncertain significance. Review status: criteria provided, multiple submitters, no conflicts (2 of 4 stars). 2 submissions from 2 submitters: Uncertain significance (2). Last evaluated 2025-10-29.

Allele frequency attached by ClinVar (database versions not stated): gnomAD 0.00001; TOPMed 0.00002; gnomAD exomes 0.00003; ExAC 0.00005.
gnomAD v4.1: 48 of 1,613,934 alleles (0.003%); highest among the groups gnomAD compares: Middle Eastern, 0.049%; no homozygotes.

Submissions (2):

Labcorp Genetics (formerly Invitae), Labcorp
Classification: Uncertain significance. Last evaluated: 2025-10-29. Review status: criteria provided, single submitter. Criteria: Invitae Variant Classification Sherloc (09022015). Collection method: clinical testing. Allele origin: germline.
Comment: This sequence change replaces asparagine, which is neutral and polar, with aspartic acid, which is acidic and polar, at codon 1108 of the ADGRA3 protein (p.Asn1108Asp). This variant is present in population databases (rs750684538, gnomAD 0.01%). This variant has not been reported in the literature in individuals affected with ADGRA3-related conditions. ClinVar contains an entry for this variant (Variation ID: 857960). An algorithm developed to predict the effect of missense changes on protein structure and function (PolyPhen-2) suggests that this variant is likely to be disruptive. In summary, the available evidence is currently insufficient to determine the role of this variant in disease. Therefore, it has been classified as a Variant of Uncertain Significance.

Ambry Genetics
Classification: Uncertain significance. Last evaluated: 2025-08-12. Review status: criteria provided, single submitter. Criteria: Ambry Variant Classification Scheme 2023. Collection method: clinical testing. Allele origin: germline.